The following is an entry in ClinVar:

ClinVar aggregate classification (germline): Likely benign. Review status: criteria provided, multiple submitters, no conflicts (2 of 4 stars). 2 submissions from 2 submitters: Likely benign (2). Last evaluated 2025-04-01.

Allele frequency attached by ClinVar (database versions not stated): gnomAD exomes 0.00003; gnomAD 0.00005; TOPMed 0.00008; ESP Exome Variant Server 0.00015.
gnomAD v4.1: 69 of 1,614,016 alleles (0.0043%); highest among the groups gnomAD compares: African/African-American, 0.021%; no homozygotes.

Submissions (2):

CeGaT Center for Human Genetics Tuebingen
Classification: Likely benign. Last evaluated: 2025-04-01. Review status: criteria provided, single submitter. Criteria: CeGaT Center For Human Genetics Tuebingen Variant Classification Criteria Version 2. Collection method: clinical testing. Allele origin: germline. Affected: yes. Observed: 1 variant allele.
Comment: KANK1: BP4, BP7

Labcorp Genetics (formerly Invitae), Labcorp
Classification: Likely benign. Last evaluated: 2022-10-04. Review status: criteria provided, single submitter. Criteria: Invitae Variant Classification Sherloc (09022015). Collection method: clinical testing. Allele origin: germline.

NM_015158.5(KANK1):c.3699G>A (p.Ala1233=)

Gene: KANK1 (KN motif and ankyrin repeat domains 1; plus strand). Cytogenetic location: 9p24.3.
Variant type: single nucleotide variant.
Coding change: c.3699G>A on transcript NM_015158.5 (MANE Select); coding-DNA position 3699, G replaced by A.
Protein change: p.Ala1233=; no amino-acid change (alanine 1233 retained).
Molecular consequence: synonymous variant. On other transcripts: non-coding transcript variant (1).
Genome position (GRCh38, 1-based): chr9:742,207, G>A. VCF-style: chr9-742207-G-A. GRCh37 (hg19) VCF-style: chr9-742207-G-A.
Other names: c.3699G>A, p.Ala1233= (NM_001256876.3, NM_001256877.3, NM_001354334.2); c.3459G>A, p.Ala1153= (NM_001354331.2); c.3645G>A, p.Ala1215= (NM_001354332.2); c.3225G>A, p.Ala1075= (NM_001354333.2, NM_001354335.2, NM_001354337.2 and 2 more transcripts); c.2931G>A, p.Ala977= (NM_001354336.2); c.3171G>A, p.Ala1057= (NM_001354338.2, NM_001354340.2, NM_001354344.2); c.2985G>A, p.Ala995= (NM_001354339.2, NM_001354342.2, NM_001354343.2).
Identifiers: ClinVar variation 2184997 (VCV002184997.11), dbSNP rs112581077, ClinGen allele CA187803176.